The following is an entry in ClinVar:

ClinVar aggregate classification (germline): Uncertain significance. Review status: criteria provided, multiple submitters, no conflicts (2 of 4 stars). 4 submissions from 4 submitters: Uncertain significance (4). Last evaluated 2025-08-12.

Conditions:
RP1-related disorder. Also called: RP1-related condition.

Allele frequency attached by ClinVar (database versions not stated): ExAC 0.00002; TOPMed 0.00002; gnomAD exomes 0.00003.
gnomAD v4.1: 24 of 1,613,928 alleles (0.0015%); highest among the groups gnomAD compares: Admixed American, 0.005%; no homozygotes.

Submissions (4):

PreventionGenetics, part of Exact Sciences
Classification: Uncertain significance for RP1-related condition. Last evaluated: 2025-08-12. Review status: criteria provided, single submitter. Criteria: ACMG Guidelines, 2015. Collection method: clinical testing. Allele origin: germline.
Comment: The RP1 c.4970G>T variant is predicted to result in the amino acid substitution p.Cys1657Phe. This variant was reported, along with p.Lys671Gln, in an individual with retinitis pigmentosa (supplementary data, Weisschuh et al. 2024. PubMed ID: 37734845). This variant is reported in 0.0054% of alleles in individuals of East Asian descent in gnomAD. At this time, the clinical significance of this variant is uncertain due to the absence of conclusive functional and genetic evidence.

Labcorp Genetics (formerly Invitae), Labcorp
Classification: Uncertain significance. Last evaluated: 2025-05-27. Review status: criteria provided, single submitter. Criteria: Invitae Variant Classification Sherloc (09022015). Collection method: clinical testing. Allele origin: germline.
Comment: This sequence change replaces cysteine, which is neutral and slightly polar, with phenylalanine, which is neutral and non-polar, at codon 1657 of the RP1 protein (p.Cys1657Phe). This variant is present in population databases (rs779439709, gnomAD 0.006%). This variant has not been reported in the literature in individuals affected with RP1-related conditions. ClinVar contains an entry for this variant (Variation ID: 426262). An algorithm developed to predict the effect of missense changes on protein structure and function outputs the following: PolyPhen-2: "Benign". The phenylalanine amino acid residue is found in multiple mammalian species, which suggests that this missense change does not adversely affect protein function. In summary, the available evidence is currently insufficient to determine the role of this variant in disease. Therefore, it has been classified as a Variant of Uncertain Significance.

Blueprint Genetics
Classification: Uncertain significance. Last evaluated: 2022-09-19. Review status: criteria provided, single submitter. Criteria: ACMG Guidelines, 2015. Collection method: clinical testing. Allele origin: germline.

GeneDx
Classification: Uncertain significance. Last evaluated: 2017-04-24. Review status: criteria provided, single submitter. Criteria: GeneDx Variant Classification (06012015). Collection method: clinical testing. Allele origin: germline. Affected: yes.
Comment: The C1657F variant in the RP1 gene has not been reported previously as a pathogenic variant, nor as a benign variant, to our knowledge. The C1657F variant is observed in 3/66720 (0.005%) alleles from individuals of European background in large population cohorts (Lek et al., 2016; 1000 Genomes Consortium et al., 2015; Exome Variant Server). The C1657F variant is a non-conservative amino acid substitution, which is likely to impact secondary protein structure as these residues differ in polarity, charge, size and/or other properties. However, this substitution occurs at a position that is not conserved, and in silico analysis predicts this variant likely does not alter the protein structure/function. We interpret C1657F as a variant of uncertain significance.

NM_006269.2(RP1):c.4970G>T (p.Cys1657Phe)

Genes: RP1 (RP1 axonemal microtubule associated; plus strand), LOC126860392 (CDK7 strongly-dependent group 2 enhancer GRCh37_chr8:55541319-55542518; plus strand). Cytogenetic location: 8q12.1.
Variant type: single nucleotide variant.
Coding change: c.4970G>T on transcript NM_006269.2 (MANE Select); coding-DNA position 4970, G replaced by T.
Protein change: p.Cys1657Phe; replaces cysteine 1657 with phenylalanine.
Molecular consequence: missense variant.
Genome position (GRCh38, 1-based): chr8:54,628,852, G>T. VCF-style: chr8-54628852-G-T. GRCh37 (hg19) VCF-style: chr8-55541412-G-T.
Other names: short protein forms C1657F.
Identifiers: ClinVar variation 426262 (VCV000426262.13), dbSNP rs779439709, ClinGen allele CA4751981.